The following is an entry in ClinVar:

NM_012188.5(FOXI1):c.773G>A (p.Gly258Glu)

Gene: FOXI1 (forkhead box I1; plus strand). Cytogenetic location: 5q35.1.
Variant type: single nucleotide variant.
Coding change: c.773G>A on transcript NM_012188.5 (MANE Select); coding-DNA position 773, G replaced by A.
Protein change: p.Gly258Glu; replaces glycine 258 with glutamic acid.
Molecular consequence: missense variant. On other transcripts: intron variant (1).
Genome position (GRCh38, 1-based): chr5:170,108,247, G>A. VCF-style: chr5-170108247-G-A. GRCh37 (hg19) VCF-style: chr5-169535251-G-A.
Other names: p.Gly258Glu; c.575-87G>A (NM_144769.4); short protein forms G258E.
Identifiers: ClinVar variation 8449 (VCV000008449.13), dbSNP rs121909340, ClinGen allele CA254392.

ClinVar aggregate classification (germline): Uncertain significance. Review status: criteria provided, multiple submitters, no conflicts (2 of 4 stars). 6 submissions from 6 submitters: Uncertain significance (5). 1 of the submissions does not count toward it. Last evaluated 2022-04-04.

Conditions:
Autosomal recessive nonsyndromic hearing loss 4 (DFNB4). Also called: Nonsyndromic enlarged vestibular aqueduct (NSEVA); NEUROSENSORY NONSYNDROMIC RECESSIVE DEAFNESS 4; Deafness, autosomal recessive 4, with enlarged vestibular aqueduct; Deafness, autosomal recessive 4; Enlarged vestibular aqueduct, digenic; FOXI1-Related Pendred Syndrome. Identifiers: Orphanet 90636, MedGen C3538946, MONDO:0010933, OMIM 600791.
Pendred syndrome (PDS). Also called: THYROID DYSHORMONOGENESIS 2B; THYROID HORMONOGENESIS, GENETIC DEFECT IN, 2B; DEAFNESS WITH GOITER; GOITER-DEAFNESS SYNDROME; HYPOTHYROIDISM, CONGENITAL, DUE TO DYSHORMONOGENESIS, 2B; Pendred's syndrome. Identifiers: Orphanet 705, MedGen C0271829, MONDO:0010134, OMIM 274600.

Allele frequency attached by ClinVar (database versions not stated): gnomAD 0.00005; gnomAD exomes 0.00008 and 0.00014; TOPMed 0.00010; ExAC 0.00012.

Submissions (6):

Fulgent Genetics
Classification: Uncertain significance for Pendred syndrome; Autosomal recessive nonsyndromic hearing loss 4. Last evaluated: 2022-04-04. Review status: criteria provided, single submitter. Criteria: ACMG Guidelines, 2015. Collection method: clinical testing. Allele origin: unknown.

Mayo Clinic Laboratories, Mayo Clinic
Classification: Uncertain significance. Last evaluated: 2022-01-19. Review status: criteria provided, single submitter. Criteria: ACMG Guidelines, 2015. Collection method: clinical testing. Allele origin: germline. Observed: 1 variant allele.
Comment: PM2_supporting

Eurofins Ntd Llc (ga)
Classification: Uncertain significance. Last evaluated: 2017-11-03. Review status: criteria provided, single submitter. Criteria: EGL Classification Definitions 2015. Collection method: clinical testing. Allele origin: germline. Observed: 1 variant allele, 1 heterozygote.

Illumina Laboratory Services, Illumina
Classification: Uncertain significance for Autosomal recessive nonsyndromic hearing loss 4. Last evaluated: 2017-04-27. Review status: criteria provided, single submitter. Criteria: ICSL Variant Classification Criteria 13 December 2019. Collection method: clinical testing. Allele origin: germline.

Breakthrough Genomics
Classification: Uncertain significance. Review status: criteria provided, single submitter. Criteria: ACMG Guidelines, 2015. Collection method: not provided. Allele origin: germline. Inheritance: Autosomal recessive inheritance. Affected: yes.

OMIM
Classification: Pathogenic for DEAFNESS, AUTOSOMAL RECESSIVE 4, WITH ENLARGED VESTIBULAR AQUEDUCT, DIGENIC. Last evaluated: 2007-06-01. Review status: no assertion criteria provided. Collection method: literature only. Allele origin: germline. Not counted in ClinVar's aggregate classification.

Literature cited by the submitters: PubMed 17503324 (cited by Eurofins Ntd Llc (ga) and OMIM).